The following is an entry in ClinVar:

ClinVar aggregate classification (germline): Uncertain significance (1 of 4 stars; one submission).

Allele frequency attached by ClinVar (database versions not stated): gnomAD exomes 0.00004 and 0.00010; TOPMed 0.00004; gnomAD 0.00005; ExAC 0.00010; ESP Exome Variant Server 0.00015; 1000 Genomes Project 30x 0.00016; 1000 Genomes Project 0.00020.
gnomAD v4.1: 69 of 1,614,174 alleles (0.0043%); highest among the groups gnomAD compares: Admixed American, 0.02%; no homozygotes.

Submission:

Labcorp Genetics (formerly Invitae), Labcorp
Classification: Uncertain significance. Last evaluated: 2025-09-24. Review status: criteria provided, single submitter. Criteria: Invitae Variant Classification Sherloc (09022015). Collection method: clinical testing. Allele origin: germline.
Comment: This sequence change creates a premature translational stop signal (p.Arg470*) in the TOP1MT gene. It is expected to result in an absent or disrupted protein product. However, the current clinical and genetic evidence is not sufficient to establish whether loss-of-function variants in TOP1MT cause disease. This variant is present in population databases (rs200038590, gnomAD 0.03%). This variant has not been reported in the literature in individuals affected with TOP1MT-related conditions. ClinVar contains an entry for this variant (Variation ID: 1522949). In summary, the available evidence is currently insufficient to determine the role of this variant in disease. Therefore, it has been classified as a Variant of Uncertain Significance.

NM_052963.3(TOP1MT):c.1408C>T (p.Arg470Ter)

Gene: TOP1MT (DNA topoisomerase I mitochondrial; minus strand). Cytogenetic location: 8q24.3.
Variant type: single nucleotide variant.
Coding change: c.1408C>T on transcript NM_052963.3 (MANE Select); coding-DNA position 1408, C replaced by T.
Protein change: p.Arg470Ter; replaces arginine 470 with a stop codon.
Molecular consequence: nonsense.
Genome position (GRCh38, 1-based): chr8:143,316,049, G>A on the plus strand (C>T on the coding strand, the complement: TOP1MT is on the minus strand). VCF-style: chr8-143316049-G-A. GRCh37 (hg19) VCF-style: chr8-144398219-G-A.
Other names: c.1114C>T, p.Arg372Ter (NM_001258446.1, NM_001258447.1); short protein forms R470*, R372*.
Identifiers: ClinVar variation 1522949 (VCV001522949.6), dbSNP rs200038590, ClinGen allele CA4908318.